The following is an entry in ClinVar:

ClinVar aggregate classification (germline): Uncertain significance (1 of 4 stars; one submission).

Allele frequency attached by ClinVar (database versions not stated): gnomAD exomes below 0.00001; TOPMed 0.00001.
gnomAD v4.1: 5 of 1,613,466 alleles (0.00031%); highest among the groups gnomAD compares: Admixed American, 0.0067%; no homozygotes.

Submission:

Labcorp Genetics (formerly Invitae), Labcorp
Classification: Uncertain significance. Last evaluated: 2024-10-22. Review status: criteria provided, single submitter. Criteria: Invitae Variant Classification Sherloc (09022015). Collection method: clinical testing. Allele origin: germline.
Comment: This sequence change replaces alanine, which is neutral and non-polar, with valine, which is neutral and non-polar, at codon 411 of the C6 protein (p.Ala411Val). This variant is present in population databases (no rsID available, gnomAD 0.003%). This variant has not been reported in the literature in individuals affected with C6-related conditions. ClinVar contains an entry for this variant (Variation ID: 2070054). An algorithm developed to predict the effect of missense changes on protein structure and function outputs the following: PolyPhen-2: "Benign". The valine amino acid residue is found in multiple mammalian species, which suggests that this missense change does not adversely affect protein function. In summary, the available evidence is currently insufficient to determine the role of this variant in disease. Therefore, it has been classified as a Variant of Uncertain Significance.

NM_000065.5(C6):c.1232C>T (p.Ala411Val)

Gene: C6 (complement C6; minus strand). Cytogenetic location: 5p13.1.
Variant type: single nucleotide variant.
Coding change: c.1232C>T on transcript NM_000065.5 (MANE Select); coding-DNA position 1232, C replaced by T.
Protein change: p.Ala411Val; replaces alanine 411 with valine.
Molecular consequence: missense variant.
Genome position (GRCh38, 1-based): chr5:41,172,284, G>A on the plus strand (C>T on the coding strand, the complement: C6 is on the minus strand). VCF-style: chr5-41172284-G-A. GRCh37 (hg19) VCF-style: chr5-41172386-G-A.
Other names: c.1232C>T, p.Ala411Val (NM_001115131.4); short protein forms A411V.
Identifiers: ClinVar variation 2070054 (VCV002070054.4), dbSNP rs937522348, ClinGen allele CA117768032.